The following is an entry in ClinVar:

ClinVar aggregate classification (germline): Uncertain significance (1 of 4 stars; one submission).

Submission:

CeGaT Center for Human Genetics Tuebingen
Classification: Uncertain significance. Last evaluated: 2025-06-01. Review status: criteria provided, single submitter. Criteria: CeGaT Center For Human Genetics Tuebingen Variant Classification Criteria Version 2. Collection method: clinical testing. Allele origin: germline. Affected: yes. Observed: 1 variant allele.
Comment: ANKRD17: PM2

NM_032217.5(ANKRD17):c.6908C>A (p.Ser2303Tyr)

Gene: ANKRD17 (ankyrin repeat domain 17; minus strand). Cytogenetic location: 4q13.3.
Variant type: single nucleotide variant.
Coding change: c.6908C>A on transcript NM_032217.5 (MANE Select); coding-DNA position 6908, C replaced by A.
Protein change: p.Ser2303Tyr; replaces serine 2303 with tyrosine.
Molecular consequence: missense variant.
Genome position (GRCh38, 1-based): chr4:73,090,720, G>T on the plus strand (C>A on the coding strand, the complement: ANKRD17 is on the minus strand). VCF-style: chr4-73090720-G-T. GRCh37 (hg19) VCF-style: chr4-73956437-G-T.
Other names: c.6569C>A, p.Ser2190Tyr (NM_001286771.3); c.6905C>A, p.Ser2302Tyr (NM_015574.2); c.6155C>A, p.Ser2052Tyr (NM_198889.3); short protein forms S2052Y, S2190Y, S2302Y, S2303Y.
Identifiers: ClinVar variation 3906079 (VCV003906079.10).